The following is an entry in ClinVar:

ClinVar aggregate classification (germline): Likely benign. Review status: criteria provided, single submitter (1 of 4 stars). 2 submissions from 2 submitters: Likely benign (1). 1 of the submissions does not count toward it. Last evaluated 2019-12-31.

Conditions:
SETD1A-related disorder. Also called: SETD1A-related condition.

Allele frequency attached by ClinVar (database versions not stated): TOPMed 0.00007; ExAC 0.00008; 1000 Genomes Project 0.00020; gnomAD 0.00004 and 0.00005; 1000 Genomes Project 30x 0.00016; gnomAD exomes 0.00002 and 0.00007.
gnomAD v4.1: 74 of 1,580,908 alleles (0.0047%); highest among the groups gnomAD compares: East Asian, 0.016%; no homozygotes.

Submissions (2):

Labcorp Genetics (formerly Invitae), Labcorp
Classification: Likely benign. Last evaluated: 2019-12-31. Review status: criteria provided, single submitter. Criteria: Invitae Variant Classification Sherloc (09022015). Collection method: clinical testing. Allele origin: germline.

PreventionGenetics, part of Exact Sciences
Classification: Likely benign for SETD1A-related condition. Last evaluated: 2019-06-17. Review status: no assertion criteria provided. Collection method: clinical testing. Allele origin: germline. Not counted in ClinVar's aggregate classification.
Comment: This variant is classified as likely benign based on ACMG/AMP sequence variant interpretation guidelines (Richards et al. 2015 PMID: 25741868, with internal and published modifications).

NM_014712.3(SETD1A):c.1923G>A (p.Pro641=)

Gene: SETD1A (SET domain containing 1A, histone lysine methyltransferase; plus strand). Cytogenetic location: 16p11.2.
Variant type: single nucleotide variant.
Coding change: c.1923G>A on transcript NM_014712.3 (MANE Select); coding-DNA position 1923, G replaced by A.
Protein change: p.Pro641=; no amino-acid change (proline 641 retained).
Molecular consequence: synonymous variant.
Genome position (GRCh38, 1-based): chr16:30,965,804, G>A. VCF-style: chr16-30965804-G-A. GRCh37 (hg19) VCF-style: chr16-30977125-G-A.
Identifiers: ClinVar variation 719085 (VCV000719085.6), dbSNP rs370920120, ClinGen allele CA8016807.
Genomic context (GRCh38, chr16:30,965,804, plus strand): 5'-TCCTCTTGGTTATCCTCCCCACCAACCTGCCTACCTCCTCCCACCCAGACCTGATGGGCC[G>A]CCGCCCCCTGAGTACCCCCCACCTCCTCCACCACCCCCGCACATCTATGACTTTGTGAAC-3'
Protein context (NP_055527.1, residues 631-651): AYLLPPRPDG[Pro641=]PPPEYPPPPP